The following is an entry in ClinVar:

ClinVar aggregate classification (germline): Conflicting classifications of pathogenicity. Review status: criteria provided, conflicting classifications (1 of 4 stars). 3 submissions from 3 submitters: Uncertain significance (1); Likely benign (1). 1 of the submissions does not count toward it. Last evaluated 2025-08-21.

Conditions:
TNS2-related disorder. Also called: TNS2-related condition.

Allele frequency attached by ClinVar (database versions not stated): 1000 Genomes Project 30x 0.00016; 1000 Genomes Project 0.00020.
gnomAD v4.1: 319 of 1,613,758 alleles (0.02%); highest among the groups gnomAD compares: South Asian, 0.29%; 5 homozygotes.

Submissions (3):

Ambry Genetics
Classification: Uncertain significance. Last evaluated: 2025-08-21. Review status: criteria provided, single submitter. Criteria: Ambry Variant Classification Scheme 2023. Collection method: clinical testing. Allele origin: germline.

Labcorp Genetics (formerly Invitae), Labcorp
Classification: Likely benign. Last evaluated: 2024-01-14. Review status: criteria provided, single submitter. Criteria: Invitae Variant Classification Sherloc (09022015). Collection method: clinical testing. Allele origin: germline.

PreventionGenetics, part of Exact Sciences
Classification: Likely benign for TNS2-related condition. Last evaluated: 2022-10-24. Review status: no assertion criteria provided. Collection method: clinical testing. Allele origin: germline. Not counted in ClinVar's aggregate classification.
Comment: This variant is classified as likely benign based on ACMG/AMP sequence variant interpretation guidelines (Richards et al. 2015 PMID: 25741868, with internal and published modifications).

NM_170754.4(TNS2):c.793C>T (p.Arg265Trp)

Gene: TNS2 (tensin 2; plus strand). Cytogenetic location: 12q13.13.
Variant type: single nucleotide variant.
Coding change: c.793C>T on transcript NM_170754.4 (MANE Select); coding-DNA position 793, C replaced by T.
Protein change: p.Arg265Trp; replaces arginine 265 with tryptophan.
Molecular consequence: missense variant.
Genome position (GRCh38, 1-based): chr12:53,057,044, C>T. VCF-style: chr12-53057044-C-T. GRCh37 (hg19) VCF-style: chr12-53450828-C-T.
Other names: c.823C>T (NM_015319.2); c.793C>T, p.Arg265Trp (NM_001416204.1, NM_001416202.1); c.724C>T, p.Arg242Trp (NM_015319.3, NM_001416203.1); c.421C>T, p.Arg141Trp (NM_198316.2); short protein forms R265W, R141W, R242W.
Identifiers: ClinVar variation 2900462 (VCV002900462.6), dbSNP rs540051071, ClinGen allele CA6592065.